The following is an entry in ClinVar:

NM_001042492.3(NF1):c.2765G>A (p.Gly922Asp)

Gene: NF1 (neurofibromin 1; plus strand). Cytogenetic location: 17q11.2.
Variant type: single nucleotide variant.
Coding change: c.2765G>A on transcript NM_001042492.3 (MANE Select); coding-DNA position 2765, G replaced by A.
Protein change: p.Gly922Asp; replaces glycine 922 with aspartic acid.
Molecular consequence: missense variant.
Genome position (GRCh38, 1-based): chr17:31,229,380, G>A. VCF-style: chr17-31229380-G-A. GRCh37 (hg19) VCF-style: chr17-29556398-G-A.
Other names: c.2765G>A, p.Gly922Asp (NM_000267.4); short protein forms G922D.
Identifiers: ClinVar variation 572649 (VCV000572649.9), dbSNP rs1378141985, ClinGen allele CA398985447.

ClinVar aggregate classification (germline): Uncertain significance. Review status: criteria provided, multiple submitters, no conflicts (2 of 4 stars). 2 submissions from 2 submitters: Uncertain significance (2). Last evaluated 2026-09-04.

Conditions:
Hereditary cancer-predisposing syndrome. Also called: Neoplastic Syndromes, Hereditary; Hereditary Cancer Syndrome; Hereditary neoplastic syndrome; Tumor predisposition. Identifiers: Orphanet 140162, MedGen C0027672, MeSH D009386, MONDO:0015356.
Cardiovascular phenotype. Identifiers: MedGen CN230736.
Neurofibromatosis, type 1 (NF1). Also called: VON RECKLINGHAUSEN DISEASE; Neurofibromatosis, type I; Peripheral type neurofibromatosis; NEUROFIBROMATOSIS, TYPE I, SOMATIC. Identifiers: Orphanet 636, MedGen C0027831, MONDO:0018975, OMIM 162200. Disease mechanism: loss of function.

Allele frequency attached by ClinVar (database versions not stated): gnomAD 0.00001; TOPMed below 0.00001.
gnomAD v4.1: 1 of 1,613,818 alleles (0.000062%); highest among the groups gnomAD compares: Non-Finnish European, 0.000085%; no homozygotes.

Submissions (2):

Ambry Genetics
Classification: Uncertain significance for Cardiovascular phenotype; Hereditary cancer-predisposing syndrome. Last evaluated: 2026-09-04. Review status: criteria provided, single submitter. Criteria: Ambry Variant Classification Scheme 2023. Collection method: clinical testing. Allele origin: germline.
Comment: The p.G922D variant (also known as c.2765G>A), located in coding exon 21 of the NF1 gene, results from a G to A substitution at nucleotide position 2765. The glycine at codon 922 is replaced by aspartic acid, an amino acid with similar properties. This amino acid position is highly conserved in available vertebrate species. In addition, this alteration is predicted to be deleterious by in silico analysis. Based on the available evidence, the clinical significance of this variant remains unclear.

Labcorp Genetics (formerly Invitae), Labcorp
Classification: Uncertain significance for Neurofibromatosis, type 1. Last evaluated: 2025-01-29. Review status: criteria provided, single submitter. Criteria: Invitae Variant Classification Sherloc (09022015). Collection method: clinical testing. Allele origin: germline.
Comment: This sequence change replaces glycine, which is neutral and non-polar, with aspartic acid, which is acidic and polar, at codon 922 of the NF1 protein (p.Gly922Asp). This variant is not present in population databases (gnomAD no frequency). This variant has not been reported in the literature in individuals affected with NF1-related conditions. ClinVar contains an entry for this variant (Variation ID: 572649). Invitae Evidence Modeling of protein sequence and biophysical properties (such as structural, functional, and spatial information, amino acid conservation, physicochemical variation, residue mobility, and thermodynamic stability) indicates that this missense variant is expected to disrupt NF1 protein function with a positive predictive value of 95%. In summary, the available evidence is currently insufficient to determine the role of this variant in disease. Therefore, it has been classified as a Variant of Uncertain Significance.